The following is an entry in ClinVar:

ClinVar aggregate classification (germline): Pathogenic/Likely pathogenic. Review status: criteria provided, multiple submitters, no conflicts (2 of 4 stars). 8 submissions from 8 submitters: Pathogenic (2); Likely pathogenic (4). 2 of the submissions do not count toward it. Last evaluated 2025-03-11.

Conditions:
Primary hyperoxaluria, type II (HP2). Also called: Primary hyperoxaluria type 2; D-GLYCERATE DEHYDROGENASE DEFICIENCY; GLYCERIC ACIDURIA; GLYOXYLATE REDUCTASE/HYDROXYPYRUVATE REDUCTASE DEFICIENCY; OXALOSIS II. Identifiers: Orphanet 416, Orphanet 93599, MedGen C0268165, MONDO:0009824, OMIM 260000. Disease mechanism: loss of function.

Allele frequency attached by ClinVar (database versions not stated): gnomAD 0.00001; TOPMed 0.00001; ExAC 0.00002; gnomAD exomes 0.00002; ESP Exome Variant Server 0.00008.
gnomAD v4.1: 33 of 1,613,966 alleles (0.002%); highest among the groups gnomAD compares: East Asian, 0.0045%; no homozygotes.

Submissions (8):

Natera, Inc.
Classification: Likely pathogenic for Primary hyperoxaluria type II. Last evaluated: 2025-03-11. Review status: criteria provided, single submitter. Criteria: Natera Variant Classification Schema (03/2026). Collection method: clinical testing. Allele origin: germline.
Comment: The c.904C>T variant in GRHPR is a missense variant predicted to cause substitution of arginine to cysteine at amino acid 302. This variant is rare in the general population with a frequency below the threshold expected for the associated phenotype(s). This variant has been observed in one or more individuals affected with the associated recessive disease, as either homozygous or compound heterozygous with a second variant (PMID: 24116921). A different variant at the same position has been determined to be Pathogenic or Likely Pathogenic. Computational prediction algorithms indicate this variant is likely to affect gene or protein function. Given the available evidence, this variant is classified as Likely Pathogenic.

Dasa
Classification: Likely pathogenic. Last evaluated: 2024-07-30. Review status: criteria provided, single submitter. Criteria: DASA Assertion Criteria. Collection method: clinical testing. Allele origin: germline.
Comment: NM_012203.2(GRHPR):c.904C>T (p.Arg302Cys) is a missense variant that results in the substitution of arginine with cysteine. The affected residue or protein region has prior evidence supporting clinical relevance. This variant has been reported in individuals with GRHPR-related disorders. This variant has been reported in individuals with GRHPR-related disorders (PMID: 14635115). Functional evidence supports an impact on the gene or gene product (PMID: 14635115). Also, this variant is rare in population databases. Computational evidence supports a deleterious effect. Based on the currently available evidence, this variant is classified as likely pathogenic.

Fulgent Genetics
Classification: Likely pathogenic for Primary hyperoxaluria, type II. Last evaluated: 2024-02-24. Review status: criteria provided, single submitter. Criteria: ACMG Guidelines, 2015. Collection method: clinical testing. Allele origin: germline.

Labcorp Genetics (formerly Invitae), Labcorp
Classification: Pathogenic. Last evaluated: 2024-02-11. Review status: criteria provided, single submitter. Criteria: Invitae Variant Classification Sherloc (09022015). Collection method: clinical testing. Allele origin: germline.
Comment: This sequence change replaces arginine, which is basic and polar, with cysteine, which is neutral and slightly polar, at codon 302 of the GRHPR protein (p.Arg302Cys). This variant is present in population databases (rs180177322, gnomAD 0.02%). This missense change has been observed in individual(s) with primary hyperoxaluria type 2 (PMID: 14635115, 24116921, 31685312). In at least one individual the data is consistent with being in trans (on the opposite chromosome) from a pathogenic variant. ClinVar contains an entry for this variant (Variation ID: 162022). Advanced modeling of protein sequence and biophysical properties (such as structural, functional, and spatial information, amino acid conservation, physicochemical variation, residue mobility, and thermodynamic stability) performed at Invitae indicates that this missense variant is expected to disrupt GRHPR protein function with a positive predictive value of 95%. Experimental studies have shown that this missense change affects GRHPR function (PMID: 14635115). This variant disrupts the p.Arg302 amino acid residue in GRHPR. Other variant(s) that disrupt this residue have been observed in individuals with GRHPR-related conditions (PMID: 25644115), which suggests that this may be a clinically significant amino acid residue. For these reasons, this variant has been classified as Pathogenic.

Laboratory of Medical Genetics, National & Kapodistrian University of Athens
Classification: Pathogenic for Primary hyperoxaluria, type II. Last evaluated: 2024-02-01. Review status: criteria provided, single submitter. Criteria: ACMG Guidelines, 2015. Collection method: curation. Allele origin: germline. Affected: no.

MGZ Medical Genetics Center
Classification: Likely pathogenic for Primary hyperoxaluria, type II. Last evaluated: 2022-07-26. Review status: criteria provided, single submitter. Criteria: ACMG Guidelines, 2015. Collection method: clinical testing. Allele origin: germline. Affected: yes. Observed: 2 variant alleles.
Comment: ACMG criteria applied: PM5, PS3_SUP, PS4_SUP, PM2_SUP, PP3

Clinical Biochemistry Laboratory, Health Services Laboratory
Classification: Pathogenic for Primary hyperoxaluria, type II. Last evaluated: 2014-11-27. Review status: no assertion criteria provided. Collection method: in vitro. Allele origin: germline. Affected: yes. Not counted in ClinVar's aggregate classification.

OMIM
Classification: Pathogenic for HYPEROXALURIA, PRIMARY, TYPE II. Last evaluated: 2014-10-01. Review status: no assertion criteria provided. Collection method: literature only. Allele origin: germline. Not counted in ClinVar's aggregate classification.

Literature cited by the submitters: PubMed 24116921 (cited by 4 submitters); PubMed 14635115 (cited by 3 submitters); PubMed 31685312 (cited by Dasa and Labcorp Genetics (formerly Invitae), Labcorp); PubMed 25644115 (cited by Labcorp Genetics (formerly Invitae), Labcorp).

NM_012203.2(GRHPR):c.904C>T (p.Arg302Cys)

Gene: GRHPR (glyoxylate and hydroxypyruvate reductase; plus strand). Cytogenetic location: 9p13.2.
Variant type: single nucleotide variant.
Coding change: c.904C>T on transcript NM_012203.2 (MANE Select); coding-DNA position 904, C replaced by T.
Protein change: p.Arg302Cys; replaces arginine 302 with cysteine.
Molecular consequence: missense variant.
Genome position (GRCh38, 1-based): chr9:37,436,699, C>T. VCF-style: chr9-37436699-C-T. GRCh37 (hg19) VCF-style: chr9-37436696-C-T.
Other names: short protein forms R302C.
Identifiers: ClinVar variation 162022 (VCV000162022.20), dbSNP rs180177322, ClinGen allele CA273040.